The following is an entry in ClinVar:

NM_005529.7(HSPG2):c.8551C>A (p.Pro2851Thr)

Gene: HSPG2 (heparan sulfate proteoglycan 2; minus strand). Cytogenetic location: 1p36.12.
Variant type: single nucleotide variant.
Coding change: c.8551C>A on transcript NM_005529.7 (MANE Select); coding-DNA position 8551, C replaced by A.
Protein change: p.Pro2851Thr; replaces proline 2851 with threonine.
Molecular consequence: missense variant.
Genome position (GRCh38, 1-based): chr1:21,844,213, G>T on the plus strand (C>A on the coding strand, the complement: HSPG2 is on the minus strand). VCF-style: chr1-21844213-G-T. GRCh37 (hg19) VCF-style: chr1-22170706-G-T.
Other names: c.8554C>A, p.Pro2852Thr (NM_001291860.2); short protein forms P2851T, P2852T.
Identifiers: ClinVar variation 1363637 (VCV001363637.8), dbSNP rs775886696, ClinGen allele CA670743.

ClinVar aggregate classification (germline): Uncertain significance (1 of 4 stars; one submission).

Allele frequency attached by ClinVar (database versions not stated): gnomAD exomes below 0.00001; ExAC 0.00001.
gnomAD v4.1: 3 of 1,613,804 alleles (0.00019%); highest among the groups gnomAD compares: East Asian, 0.0045%; no homozygotes.

Submission:

Labcorp Genetics (formerly Invitae), Labcorp
Classification: Uncertain significance. Last evaluated: 2022-06-13. Review status: criteria provided, single submitter. Criteria: Invitae Variant Classification Sherloc (09022015). Collection method: clinical testing. Allele origin: germline.
Comment: In summary, the available evidence is currently insufficient to determine the role of this variant in disease. Therefore, it has been classified as a Variant of Uncertain Significance. Algorithms developed to predict the effect of missense changes on protein structure and function (SIFT, PolyPhen-2, Align-GVGD) all suggest that this variant is likely to be tolerated. This variant has not been reported in the literature in individuals affected with HSPG2-related conditions. This variant is present in population databases (rs775886696, gnomAD 0.006%). This sequence change replaces proline, which is neutral and non-polar, with threonine, which is neutral and polar, at codon 2851 of the HSPG2 protein (p.Pro2851Thr).